The following is an entry in ClinVar:

NM_012079.6(DGAT1):c.739del (p.Asn246_Leu247insTer)

Gene: DGAT1 (diacylglycerol O-acyltransferase 1; minus strand). Cytogenetic location: 8q24.3.
Variant type: Deletion.
Coding change: c.739del on transcript NM_012079.6 (MANE Select); coding-DNA position 739, one base deleted (C; older notation c.739delC).
Protein change: p.Asn246_Leu247insTer.
Molecular consequence: nonsense.
Genome position (GRCh38, 1-based): chr8:144,318,107, G deleted on the plus strand (C on the coding strand, the reverse complement: DGAT1 is on the minus strand). VCF-style (leftmost placement, unchanged base first): chr8-144318106-AG-A. GRCh37 (hg19) VCF-style: chr8-145541769-AG-A.
Identifiers: ClinVar variation 2852216 (VCV002852216.3), dbSNP rs2488953064, ClinGen allele CA2739269051.

ClinVar aggregate classification (germline): Pathogenic (1 of 4 stars; one submission).

Submission:

Labcorp Genetics (formerly Invitae), Labcorp
Classification: Pathogenic. Last evaluated: 2023-04-06. Review status: criteria provided, single submitter. Criteria: Invitae Variant Classification Sherloc (09022015). Collection method: clinical testing. Allele origin: germline.
Comment: For these reasons, this variant has been classified as Pathogenic. This variant has not been reported in the literature in individuals affected with DGAT1-related conditions. This variant is not present in population databases (gnomAD no frequency). This sequence change creates a premature translational stop signal (p.Leu247*) in the DGAT1 gene. It is expected to result in an absent or disrupted protein product. Loss-of-function variants in DGAT1 are known to be pathogenic (PMID: 29604290).

Literature cited by the submitters: PubMed 29604290.